The following is an entry in ClinVar:

NM_015047.3(EMC1):c.175G>A (p.Glu59Lys)

Gene: EMC1 (ER membrane protein complex subunit 1; minus strand). Cytogenetic location: 1p36.13.
Variant type: single nucleotide variant.
Coding change: c.175G>A on transcript NM_015047.3 (MANE Select); coding-DNA position 175, G replaced by A.
Protein change: p.Glu59Lys; replaces glutamic acid 59 with lysine.
Molecular consequence: missense variant.
Genome position (GRCh38, 1-based): chr1:19,244,951, C>T on the plus strand (G>A on the coding strand, the complement: EMC1 is on the minus strand). VCF-style: chr1-19244951-C-T. GRCh37 (hg19) VCF-style: chr1-19571445-C-T.
Other names: c.175G>A, p.Glu59Lys (NM_001271427.2, NM_001271428.2, NM_001271429.2 and 2 more transcripts); short protein forms E59K.
Identifiers: ClinVar variation 1929671 (VCV001929671.5), dbSNP rs768511495, ClinGen allele CA653030.

ClinVar aggregate classification (germline): Uncertain significance (1 of 4 stars; one submission).

Allele frequency attached by ClinVar (database versions not stated): gnomAD exomes below 0.00001; ExAC 0.00001; gnomAD 0.00001.
gnomAD v4.1: 2 of 1,613,892 alleles (0.00012%); highest among the groups gnomAD compares: Admixed American, 0.0017%; no homozygotes.

Submission:

Labcorp Genetics (formerly Invitae), Labcorp
Classification: Uncertain significance. Last evaluated: 2025-01-13. Review status: criteria provided, single submitter. Criteria: Invitae Variant Classification Sherloc (09022015). Collection method: clinical testing. Allele origin: germline.
Comment: This sequence change replaces glutamic acid, which is acidic and polar, with lysine, which is basic and polar, at codon 59 of the EMC1 protein (p.Glu59Lys). This variant is present in population databases (rs768511495, gnomAD 0.003%). This variant has not been reported in the literature in individuals affected with EMC1-related conditions. ClinVar contains an entry for this variant (Variation ID: 1929671). Invitae Evidence Modeling of protein sequence and biophysical properties (such as structural, functional, and spatial information, amino acid conservation, physicochemical variation, residue mobility, and thermodynamic stability) indicates that this missense variant is not expected to disrupt EMC1 protein function with a negative predictive value of 80%. In summary, the available evidence is currently insufficient to determine the role of this variant in disease. Therefore, it has been classified as a Variant of Uncertain Significance.